The following is an entry in ClinVar:

NM_004646.4(NPHS1):c.322G>T (p.Glu108Ter)

Gene: NPHS1 (NPHS1 adhesion molecule, nephrin; minus strand). Cytogenetic location: 19q13.12.
Variant type: single nucleotide variant.
Coding change: c.322G>T on transcript NM_004646.4 (MANE Select); coding-DNA position 322, G replaced by T.
Protein change: p.Glu108Ter; replaces glutamic acid 108 with a stop codon.
Molecular consequence: nonsense.
Genome position (GRCh38, 1-based): chr19:35,851,337, C>A on the plus strand (G>T on the coding strand, the complement: NPHS1 is on the minus strand). VCF-style: chr19-35851337-C-A. GRCh37 (hg19) VCF-style: chr19-36342239-C-A.
Other names: short protein forms E108*.
Identifiers: ClinVar variation 1423988 (VCV001423988.6), dbSNP rs2146831931, ClinGen allele CA405410899.

ClinVar aggregate classification (germline): Pathogenic (1 of 4 stars; one submission).

Submission:

Labcorp Genetics (formerly Invitae), Labcorp
Classification: Pathogenic. Last evaluated: 2021-06-16. Review status: criteria provided, single submitter. Criteria: Invitae Variant Classification Sherloc (09022015). Collection method: clinical testing. Allele origin: germline.
Comment: For these reasons, this variant has been classified as Pathogenic. This variant has not been reported in the literature in individuals with NPHS1-related conditions. This variant is not present in population databases (ExAC no frequency). This sequence change creates a premature translational stop signal (p.Glu108*) in the NPHS1 gene. It is expected to result in an absent or disrupted protein product. Loss-of-function variants in NPHS1 are known to be pathogenic (PMID: 11317351, 11854170, 12039988).

Literature cited by the submitters: PubMed 11317351; PubMed 11854170; PubMed 12039988.